The following is an entry in ClinVar:

NM_025114.4(CEP290):c.1199C>T (p.Thr400Ile)

Gene: CEP290 (centrosomal protein 290; minus strand). Cytogenetic location: 12q21.32.
Variant type: single nucleotide variant.
Coding change: c.1199C>T on transcript NM_025114.4 (MANE Select); coding-DNA position 1199, C replaced by T.
Protein change: p.Thr400Ile; replaces threonine 400 with isoleucine.
Molecular consequence: missense variant.
Genome position (GRCh38, 1-based): chr12:88,121,157, G>A on the plus strand (C>T on the coding strand, the complement: CEP290 is on the minus strand). VCF-style: chr12-88121157-G-A. GRCh37 (hg19) VCF-style: chr12-88514934-G-A.
Other names: short protein forms T400I.
Identifiers: ClinVar variation 461773 (VCV000461773.11), dbSNP rs773578133, ClinGen allele CA6712602.
Genomic context (GRCh38, chr12:88,121,157, plus strand): 5'-GTTTTCTCTTTTAAAATGTCTAACGTTGACTGAATTTTCATATGAGTCTGTTGAGAAAGG[G>A]TTGAAGCACCTACAGAGTAAAAACAAAAATCATGAATTGAATTGACTACTTATTCCTTCA-3'
Protein context (NP_079390.3, residues 390-410): NELQRNKGAS[Thr400Ile]LSQQTHMKIQ

ClinVar aggregate classification (germline): Conflicting classifications of pathogenicity. Review status: criteria provided, conflicting classifications (1 of 4 stars). 4 submissions from 4 submitters: Uncertain significance (3); Likely benign (1). Last evaluated 2026-02-12.

Conditions:
CEP290-related disorder. Also called: CEP290-related disorders; CEP290-related condition. Identifiers: MedGen CN239314.
Nephronophthisis. Also called: Juvenile Nephronophthisis. Identifiers: Orphanet 655, MedGen C0687120, MONDO:0019005, HP:0000090.
Meckel-Gruber syndrome. Also called: GRUBER SYNDROME; Dysencephalia splachnocystica; DYSENCEPHALIA SPLANCHNOCYSTICA. Identifiers: Orphanet 564, MedGen C0265215, MONDO:0018921.
Joubert syndrome. Also called: JOUBERT-BOLTSHAUSER SYNDROME; Familial aplasia of the vermis. Identifiers: Orphanet 475, MedGen C5979921, MONDO:0018772.
Joubert syndrome 5 (JBTS5). Identifiers: Orphanet 2318, MedGen C1857780, MONDO:0012432, OMIM 610188.
Meckel syndrome, type 4 (MKS4). Also called: MECKEL-GRUBER SYNDROME, TYPE 4. Identifiers: Orphanet 564, MedGen C1970161, MONDO:0012626, OMIM 611134.
Bardet-Biedl syndrome 14 (BBS14). Identifiers: Orphanet 110, MedGen C2673874, MONDO:0014442, OMIM 615991.
Senior-Loken syndrome 6 (SLSN6). Identifiers: Orphanet 3156, MedGen C1857779, MONDO:0012433, OMIM 610189.
Leber congenital amaurosis 10 (LCA10). Identifiers: Orphanet 65, MedGen C1857821, MONDO:0012723, OMIM 611755.

Allele frequency attached by ClinVar (database versions not stated): TOPMed 0.00003.
gnomAD v4.1: 18 of 1,611,494 alleles (0.0011%); highest among the groups gnomAD compares: Admixed American, 0.029%; no homozygotes.

Submissions (4):

PreventionGenetics, part of Exact Sciences
Classification: Uncertain significance for CEP290-related condition. Last evaluated: 2026-02-12. Review status: criteria provided, single submitter. Criteria: ACMG Guidelines, 2015. Collection method: clinical testing. Allele origin: germline.
Comment: The CEP290 c.1199C>T variant is predicted to result in the amino acid substitution p.Thr400Ile. To our knowledge, this variant has not been reported in the literature. This variant is reported in 0.050% of alleles in individuals of Latino descent in gnomAD, which is likely too common for a primary cause of disease. Although we suspect this variant may be benign, at this time, the clinical significance is uncertain due to the absence of conclusive functional and genetic evidence.

Fulgent Genetics
Classification: Uncertain significance for Joubert syndrome 5; Senior-Loken syndrome 6; Meckel syndrome, type 4; Leber congenital amaurosis 10; Bardet-Biedl syndrome 14. Last evaluated: 2024-01-09. Review status: criteria provided, single submitter. Criteria: ACMG Guidelines, 2015. Collection method: clinical testing. Allele origin: germline.

Labcorp Genetics (formerly Invitae), Labcorp
Classification: Uncertain significance for Joubert syndrome; Meckel-Gruber syndrome; Nephronophthisis. Last evaluated: 2022-09-27. Review status: criteria provided, single submitter. Criteria: Invitae Variant Classification Sherloc (09022015). Collection method: clinical testing. Allele origin: germline.
Comment: This sequence change replaces threonine, which is neutral and polar, with isoleucine, which is neutral and non-polar, at codon 400 of the CEP290 protein (p.Thr400Ile). This variant is present in population databases (rs773578133, gnomAD 0.05%). This missense change has been observed in individuals with CEP290-related conditions (Invitae). ClinVar contains an entry for this variant (Variation ID: 461773). Advanced modeling of protein sequence and biophysical properties (such as structural, functional, and spatial information, amino acid conservation, physicochemical variation, residue mobility, and thermodynamic stability) performed at Invitae indicates that this missense variant is not expected to disrupt CEP290 protein function. In summary, the available evidence is currently insufficient to determine the role of this variant in disease. Therefore, it has been classified as a Variant of Uncertain Significance.

GeneDx
Classification: Likely benign. Last evaluated: 2018-04-27. Review status: criteria provided, single submitter. Criteria: GeneDx Variant Classification (06012015). Collection method: clinical testing. Allele origin: germline. Affected: yes.
Comment: This variant is considered likely benign or benign based on one or more of the following criteria: it is a conservative change, it occurs at a poorly conserved position in the protein, it is predicted to be benign by multiple in silico algorithms, and/or has population frequency not consistent with disease.